The following is an entry in ClinVar:

NM_052947.4(ALPK2):c.3388G>A (p.Gly1130Arg)

Gene: ALPK2 (alpha kinase 2; minus strand). Cytogenetic location: 18q21.31.
Variant type: single nucleotide variant.
Coding change: c.3388G>A on transcript NM_052947.4 (MANE Select); coding-DNA position 3388, G replaced by A.
Protein change: p.Gly1130Arg; replaces glycine 1130 with arginine.
Molecular consequence: missense variant.
Genome position (GRCh38, 1-based): chr18:58,536,799, C>T on the plus strand (G>A on the coding strand, the complement: ALPK2 is on the minus strand). VCF-style: chr18-58536799-C-T. GRCh37 (hg19) VCF-style: chr18-56204031-C-T.
Other names: short protein forms G1130R.
Identifiers: ClinVar variation 2449204 (VCV002449204.2), dbSNP rs2518876539, ClinGen allele CA402568476.

ClinVar aggregate classification (germline): Uncertain significance (1 of 4 stars; one submission).

Submission:

Ambry Genetics
Classification: Uncertain significance. Last evaluated: 2022-11-20. Review status: criteria provided, single submitter. Criteria: Ambry Variant Classification Scheme 2023. Collection method: clinical testing. Allele origin: germline.
Comment: The p.G1130R variant (also known as c.3388G>A), located in coding exon 4 of the ALPK2 gene, results from a G to A substitution at nucleotide position 3388. The glycine at codon 1130 is replaced by arginine, an amino acid with dissimilar properties. This amino acid position is conserved. In addition, this alteration is predicted to be tolerated by in silico analysis. Since supporting evidence is limited at this time, the clinical significance of this alteration remains unclear.